The following is an entry in ClinVar:

ClinVar aggregate classification (germline): Benign (0 of 4 stars; one submission).

Conditions:
THADA-related disorder. Also called: THADA-related condition.

Allele frequency attached by ClinVar (database versions not stated): gnomAD exomes 0.00109; ExAC 0.00288; 1000 Genomes Project 0.00799; gnomAD 0.00825; 1000 Genomes Project 30x 0.00843; ESP Exome Variant Server 0.00865; TOPMed 0.00977.

Submissions (3):

PreventionGenetics, part of Exact Sciences
Classification: Benign for THADA-related condition. Last evaluated: 2019-06-25. Review status: no assertion criteria provided. Collection method: clinical testing. Allele origin: germline.
Comment: This variant is classified as benign based on ACMG/AMP sequence variant interpretation guidelines (Richards et al. 2015 PMID: 25741868, with internal and published modifications).

Dr. Peter K. Rogan Lab, Western University
No classification provided (evidence only). Condition: Cholangiocarcinoma. Review status: no classification provided. Collection method: in vitro. Allele origin: not applicable. Functional consequence: retained intron. Not counted in ClinVar's aggregate classification.

Dr. Peter K. Rogan Lab, Western University
No classification provided (evidence only). Condition: Chronic lymphocytic leukemia/small lymphocytic lymphoma. Review status: no classification provided. Collection method: in vitro. Allele origin: not applicable. Functional consequence: retained intron. Not counted in ClinVar's aggregate classification.

NM_022065.5(THADA):c.3109_3111del (p.Lys1037del)

Gene: THADA (THADA armadillo repeat containing; minus strand). Cytogenetic location: 2p21.
Variant type: Deletion.
Coding change: c.3109_3111del on transcript NM_022065.5 (MANE Select); coding-DNA positions 3109 to 3111, 3 bases deleted (AAA; older notation c.3109_3111delAAA).
Protein change: p.Lys1037del; deletes lysine 1037.
Molecular consequence: inframe indel (on NM_198554.1). On other transcripts: non-coding transcript variant (2).
Genome position (GRCh38, 1-based): chr2:43,541,312-43,541,314, TTT deleted on the plus strand (AAA on the coding strand, the reverse complement: THADA is on the minus strand). VCF-style (leftmost placement, unchanged base first): chr2-43541311-CTTT-C. GRCh37 (hg19) VCF-style: chr2-43768450-CTTT-C.
Other names: NC_000002.11:g.43768451_43768453del; c.3109_3111del, p.Lys1037del (NM_001083953.2, NM_001345925.2); c.3106_3108del, p.Lys1036del (NM_001345923.2); c.2986_2988del, p.Lys996del (NM_001345924.2); c.2239_2241delAAA, p.Lys747del (NM_198554.1); short protein forms K1036del, K1037del, K747del, K996del.
Identifiers: ClinVar variation 3042502 (VCV003042502.3), dbSNP rs140367558, ClinGen allele CA1632710.
Genomic context (GRCh38, chr2:43,541,311, plus strand): 5'-TCATACTTCTCCAACAACATACCAGCACCATCTGCGCAGTTACATCACATGTTTTTACTT[CTTT>C]ACCTTAAACAAAAAAAAACACAACGATTGCAACCTTGATTACTCATATCCCAGGTTTCTA-3'